The following is an entry in ClinVar:

NM_001286577.2(C2CD3):c.1615C>T (p.His539Tyr)

Gene: C2CD3 (C2 domain containing 3 centriole elongation regulator; minus strand). Cytogenetic location: 11q13.4.
Variant type: single nucleotide variant.
Coding change: c.1615C>T on transcript NM_001286577.2 (MANE Select); coding-DNA position 1615, C replaced by T.
Protein change: p.His539Tyr; replaces histidine 539 with tyrosine.
Molecular consequence: missense variant.
Genome position (GRCh38, 1-based): chr11:74,114,499, G>A on the plus strand (C>T on the coding strand, the complement: C2CD3 is on the minus strand). VCF-style: chr11-74114499-G-A. GRCh37 (hg19) VCF-style: chr11-73825544-G-A.
Other names: c.1615C>T, p.His539Tyr (NM_015531.6); short protein forms H539Y.
Identifiers: ClinVar variation 384434 (VCV000384434.7), dbSNP rs772943189, ClinGen allele CA6182905.

ClinVar aggregate classification (germline): Uncertain significance. Review status: criteria provided, multiple submitters, no conflicts (2 of 4 stars). 2 submissions from 2 submitters: Uncertain significance (2). Last evaluated 2022-09-19.

Allele frequency attached by ClinVar (database versions not stated): gnomAD exomes below 0.00001 and 0.00001; ExAC 0.00001; gnomAD 0.00008 and 0.00009; TOPMed 0.00023.
gnomAD v4.1: 18 of 1,613,522 alleles (0.0011%); highest among the groups gnomAD compares: Admixed American, 0.028%; no homozygotes.

Submissions (2):

Labcorp Genetics (formerly Invitae), Labcorp
Classification: Uncertain significance. Last evaluated: 2022-09-19. Review status: criteria provided, single submitter. Criteria: Invitae Variant Classification Sherloc (09022015). Collection method: clinical testing. Allele origin: germline.
Comment: In summary, the available evidence is currently insufficient to determine the role of this variant in disease. Therefore, it has been classified as a Variant of Uncertain Significance. Advanced modeling of protein sequence and biophysical properties (such as structural, functional, and spatial information, amino acid conservation, physicochemical variation, residue mobility, and thermodynamic stability) performed at Invitae indicates that this missense variant is expected to disrupt C2CD3 protein function. ClinVar contains an entry for this variant (Variation ID: 384434). This variant has not been reported in the literature in individuals affected with C2CD3-related conditions. This variant is present in population databases (rs772943189, gnomAD 0.007%). This sequence change replaces histidine, which is basic and polar, with tyrosine, which is neutral and polar, at codon 539 of the C2CD3 protein (p.His539Tyr).

GeneDx
Classification: Uncertain significance. Last evaluated: 2016-03-01. Review status: criteria provided, single submitter. Criteria: GeneDx Variant Classification (06012015). Collection method: clinical testing. Allele origin: germline. Affected: yes.
Comment: The H539Y variant in the C2CD3 gene has not been reported previously as a pathogenic variant, nor as a benign variant, to our knowledge. The H539Y variant was not observed in approximately 6500 individuals of European and African American ancestry in the NHLBI Exome Sequencing Project, indicating it is not a common benign variant in these populations. The H539Y variant is a non-conservative amino acid substitution, which is likely to impact secondary protein structure as these residues differ in polarity, charge, size and/or other properties. This substitution occurs at a position that is not conserved. In silico analysis is inconsistent in its predictions as to whether or not the variant is damaging to the protein structure/function. Therefore, we interpret H539Y as a variant of uncertain significance.